The following is an entry in ClinVar:

ClinVar aggregate classification (germline): Pathogenic. Review status: criteria provided, multiple submitters, no conflicts (2 of 4 stars). 2 submissions from 2 submitters: Pathogenic (2). Last evaluated 2024-01-26.

Conditions:
Familial cancer of breast. Also called: Hereditary breast cancer; hereditary breast carcinoma; BREAST CANCER, FAMILIAL. Identifiers: Orphanet 227535, MedGen C0346153, MONDO:0016419, OMIM 114480. Disease mechanism: loss of function.
Hereditary cancer-predisposing syndrome. Also called: Hereditary neoplastic syndrome; Neoplastic Syndromes, Hereditary; Tumor predisposition; Hereditary Cancer Syndrome. Identifiers: Orphanet 140162, MedGen C0027672, MeSH D009386, MONDO:0015356.

Submissions (2):

Myriad Genetics, Inc.
Classification: Pathogenic for Familial cancer of breast. Last evaluated: 2024-01-26. Review status: criteria provided, single submitter. Criteria: Myriad Autosomal Dominant, Autosomal Recessive and X-Linked Classification Criteria (2023). Collection method: clinical testing. Allele origin: unknown.
Comment: This variant is considered pathogenic. This variant creates a frameshift predicted to result in premature protein truncation.

Ambry Genetics
Classification: Pathogenic for Hereditary cancer-predisposing syndrome. Last evaluated: 2021-11-24. Review status: criteria provided, single submitter. Criteria: Ambry Variant Classification Scheme 2023. Collection method: clinical testing. Allele origin: germline.
Comment: The c.5971_5979del9insA pathogenic mutation, located in coding exon 39 of the ATM gene, results from the deletion of 9 nucleotides and insertion of one nucleotide causing a translational frameshift with a predicted alternate stop codon (p.E1991Kfs*24). This alteration is expected to result in loss of function by premature protein truncation or nonsense-mediated mRNA decay. As such, this alteration is interpreted as a disease-causing mutation.

NM_000051.4(ATM):c.5971_5979delinsA (p.Glu1991fs)

Genes: ATM (ATM serine/threonine kinase; plus strand), C11orf65 (chromosome 11 open reading frame 65; minus strand). Cytogenetic location: 11q22.3.
Variant type: Indel.
Coding change: c.5971_5979delinsA on transcript NM_000051.4 (MANE Select); coding-DNA positions 5971 to 5979, GAAAAAAGT replaced by A.
Protein change: p.Glu1991fs; shifts the reading frame from glutamic acid 1991.
Molecular consequence: frameshift variant. On other transcripts: intron variant (2).
Genome position (GRCh38, 1-based): chr11:108,312,463-108,312,471, GAAAAAAGT replaced by A. VCF-style: chr11-108312463-GAAAAAAGT-A. GRCh37 (hg19) VCF-style: chr11-108183190-GAAAAAAGT-A.
Other names: c.5971_5979del9insA (NM_000051.3); c.5971_5979delinsA, p.Glu1991fs (NM_001351834.2); c.641-3400_641-3392delinsT (NM_001330368.2); c.*39-3400_*39-3392delinsT (NM_001351110.2); short protein forms E1991fs.
Identifiers: ClinVar variation 1750790 (VCV001750790.2), dbSNP rs2547053574, ClinGen allele CA2580083000.